The following is an entry in ClinVar:

NM_000400.4(ERCC2):c.156G>A (p.Leu52=)

Gene: ERCC2 (ERCC excision repair 2, TFIIH core complex helicase subunit; minus strand). Cytogenetic location: 19q13.32.
Variant type: single nucleotide variant.
Coding change: c.156G>A on transcript NM_000400.4 (MANE Select); coding-DNA position 156, G replaced by A.
Protein change: p.Leu52=; no amino-acid change (leucine 52 retained).
Molecular consequence: synonymous variant.
Genome position (GRCh38, 1-based): chr19:45,369,097, C>T on the plus strand (G>A on the coding strand, the complement: ERCC2 is on the minus strand). VCF-style: chr19-45369097-C-T. GRCh37 (hg19) VCF-style: chr19-45872355-C-T.
Other names: c.84G>A, p.Leu28= (NM_001130867.2).
Identifiers: ClinVar variation 754097 (VCV000754097.17), dbSNP rs202156896, ClinGen allele CA9513901.

ClinVar aggregate classification (germline): Conflicting classifications of pathogenicity. Review status: criteria provided, conflicting classifications (1 of 4 stars). 6 submissions from 6 submitters: Uncertain significance (1); Benign (1); Likely benign (4). Last evaluated 2026-09-23.

Conditions:
Xeroderma pigmentosum (XP). Identifiers: Orphanet 910, MedGen C0043346, MONDO:0019600.
Xeroderma pigmentosum, group D (XPD). Also called: XERODERMA PIGMENTOSUM, COMPLEMENTATION GROUP D; XERODERMA PIGMENTOSUM IV; XP, GROUP D; XP, GROUP H; ERCC2-Related Xeroderma Pigmentosum. Identifiers: MedGen C0268138, MONDO:0010212, OMIM 278730.
ERCC2-related disorder. Also called: ERCC2-related conditions; ERCC2-related condition; ERCC2-related disorders. Identifiers: MedGen CN239291.
Inborn genetic diseases. Identifiers: MedGen C0950123, MeSH D030342.

Allele frequency attached by ClinVar (database versions not stated): ESP Exome Variant Server 0.00008; gnomAD 0.00009 and 0.00011; TOPMed 0.00013.
gnomAD v4.1: 119 of 1,614,040 alleles (0.0074%); highest among the groups gnomAD compares: Non-Finnish European, 0.0013%; no homozygotes.

Submissions (6):

PreventionGenetics, part of Exact Sciences
Classification: Likely benign for ERCC2-related condition. Last evaluated: 2026-09-23. Review status: criteria provided, single submitter. Criteria: ACMG Guidelines, 2015. Collection method: clinical testing. Allele origin: germline.
Comment: This variant is classified as likely benign based on ACMG/AMP sequence variant interpretation guidelines (Richards et al. 2015 PMID: 25741868, with internal and published modifications).

Labcorp Genetics (formerly Invitae), Labcorp
Classification: Benign. Last evaluated: 2026-01-28. Review status: criteria provided, single submitter. Criteria: Invitae Variant Classification Sherloc (09022015). Collection method: clinical testing. Allele origin: germline.

Blueprint Genetics
Classification: Likely benign. Last evaluated: 2024-07-16. Review status: criteria provided, single submitter. Criteria: ACMG Guidelines, 2015. Collection method: clinical testing. Allele origin: germline.

Ambry Genetics
Classification: Likely benign for Inborn genetic diseases. Last evaluated: 2022-02-12. Review status: criteria provided, single submitter. Criteria: Ambry Variant Classification Scheme 2023. Collection method: clinical testing. Allele origin: germline.

Sema4
Classification: Likely benign for Xeroderma pigmentosum. Last evaluated: 2021-12-17. Review status: criteria provided, single submitter. Criteria: Sema4 Curation Guidelines. Collection method: curation. Allele origin: germline.

Illumina Laboratory Services, Illumina
Classification: Uncertain significance for Xeroderma pigmentosum, group D. Last evaluated: 2017-04-27. Review status: criteria provided, single submitter. Criteria: ICSL Variant Classification Criteria 13 December 2019. Collection method: clinical testing. Allele origin: germline.